The following is an entry in ClinVar:

ClinVar aggregate classification (germline): Uncertain significance (1 of 4 stars; one submission).

Conditions:
Cardiovascular phenotype. Identifiers: MedGen CN230736.

Allele frequency attached by ClinVar (database versions not stated): gnomAD 0.00001.
gnomAD v4.1: 8 of 1,545,382 alleles (0.00052%); highest among the groups gnomAD compares: East Asian, 0.0024%; no homozygotes.

Submission:

Ambry Genetics
Classification: Uncertain significance for Cardiovascular phenotype. Last evaluated: 2021-12-13. Review status: criteria provided, single submitter. Criteria: Ambry Variant Classification Scheme 2023. Collection method: clinical testing. Allele origin: germline.
Comment: The p.P651L variant (also known as c.1952C>T), located in coding exon 1 of the ZNF469 gene, results from a C to T substitution at nucleotide position 1952. The proline at codon 651 is replaced by leucine, an amino acid with similar properties. This amino acid position is conserved. In addition, this alteration is predicted to be tolerated by in silico analysis. Since supporting evidence is limited at this time, the clinical significance of this alteration remains unclear.

NM_001367624.2(ZNF469):c.1952C>T (p.Pro651Leu)

Gene: ZNF469 (zinc finger protein 469; plus strand). Cytogenetic location: 16q24.2.
Variant type: single nucleotide variant.
Coding change: c.1952C>T on transcript NM_001367624.2 (MANE Select); coding-DNA position 1952, C replaced by T.
Protein change: p.Pro651Leu; replaces proline 651 with leucine.
Molecular consequence: missense variant.
Genome position (GRCh38, 1-based): chr16:88,429,422, C>T. VCF-style: chr16-88429422-C-T. GRCh37 (hg19) VCF-style: chr16-88495830-C-T.
Other names: NM_001127464.1:c.1952C>T; short protein forms P651L.
Identifiers: ClinVar variation 1783258 (VCV001783258.2), dbSNP rs1281820720, ClinGen allele CA397069321.